The following is an entry in ClinVar:

NM_016441.3(CRIM1):c.1504G>A (p.Glu502Lys)

Gene: CRIM1 (cysteine rich transmembrane BMP regulator 1). Cytogenetic location: 2p22.2.
Variant type: single nucleotide variant.
Coding change: c.1504G>A on transcript NM_016441.3 (MANE Select); coding-DNA position 1504, G replaced by A.
Protein change: p.Glu502Lys; replaces glutamic acid 502 with lysine.
Molecular consequence: missense variant.
Genome position (GRCh38, 1-based): chr2:36,509,985, G>A. VCF-style: chr2-36509985-G-A. GRCh37 (hg19) VCF-style: chr2-36737128-G-A.
Other names: short protein forms E502K.
Identifiers: ClinVar variation 3038948 (VCV003038948.2), dbSNP rs12997487, ClinGen allele CA1610244.
Genomic context (GRCh38, chr2:36,509,985, plus strand): 5'-CGAAGTGTTCTGCTCTGTTCATCTTTGGAAGAAACATGCCGTCTCTGTGTCTTCACAGCC[G>A]AGGAACTATGTTCAGAACGTAAACAAGGCTGCACCTTGAACTGTCCCTTCGGTTTCCTTA-3'
Protein context (NP_057525.1, residues 492-512): GCRTCQCINT[Glu502Lys]ELCSERKQGC

ClinVar aggregate classification (germline): Benign (0 of 4 stars; one submission).

Conditions:
CRIM1-related disorder. Also called: CRIM1-related condition.

Allele frequency attached by ClinVar (database versions not stated): 1000 Genomes Project 0.00499; TOPMed 0.00791; gnomAD 0.00849; ESP Exome Variant Server 0.00976; ExAC 0.01004; gnomAD exomes 0.01217.
gnomAD v4.1: 18,982 of 1,613,294 alleles (1.2%); highest among the groups gnomAD compares: Non-Finnish European, 1.4%; 150 homozygotes.

Submission:

PreventionGenetics, part of Exact Sciences
Classification: Benign for CRIM1-related condition. Last evaluated: 2019-06-13. Review status: no assertion criteria provided. Collection method: clinical testing. Allele origin: germline.
Comment: This variant is classified as benign based on ACMG/AMP sequence variant interpretation guidelines (Richards et al. 2015 PMID: 25741868, with internal and published modifications).